The following is an entry in ClinVar:

ClinVar aggregate classification (germline): Uncertain significance. Review status: criteria provided, single submitter (1 of 4 stars). 2 submissions from 2 submitters: Uncertain significance (1). 1 of the submissions does not count toward it. Last evaluated 2023-02-01.

Allele frequency attached by ClinVar (database versions not stated): gnomAD exomes 0.00001 and 0.00004; TOPMed 0.00001; ExAC 0.00003.
gnomAD v4.1: 27 of 1,614,130 alleles (0.0017%); highest among the groups gnomAD compares: Middle Eastern, 0.049%; no homozygotes.

Submissions (3):

CeGaT Center for Human Genetics Tuebingen
Classification: Uncertain significance. Last evaluated: 2023-02-01. Review status: criteria provided, single submitter. Criteria: CeGaT Center For Human Genetics Tuebingen Variant Classification Criteria Version 2. Collection method: clinical testing. Allele origin: germline. Affected: yes. Observed: 1 variant allele.
Comment: TCTN2: PM2:Supporting, BP4

Department of Pathology and Laboratory Medicine, Sinai Health System
Classification: Uncertain significance. Review status: no assertion criteria provided. Collection method: clinical testing. Allele origin: unknown. Affected: yes. Study: The Canadian Open Genetics Repository (COGR). Not counted in ClinVar's aggregate classification.
Comment: The TCTN2 p.Ala514Val variant was not identified in the literature nor was it identified in ClinVar, Cosmic or LOVD 3.0. The variant was identified in dbSNP (ID: rs748105865) and in control databases in 9 of 251354 chromosomes at a frequency of 0.000036 (Genome Aggregation Database Feb 27, 2017). The variant was observed in the following populations: Other in 1 of 6140 chromosomes (freq: 0.000163), European (non-Finnish) in 7 of 113680 chromosomes (freq: 0.000062), Latino in 1 of 34586 chromosomes (freq: 0.000029), while the variant was not observed in the African, Ashkenazi Jewish, East Asian, European (Finnish), and South Asian populations. The p.Ala514 residue is not conserved in mammals and four out of five computational analyses (PolyPhen-2, SIFT, AlignGVGD, BLOSUM) do not suggest a high likelihood of impact to the protein; however, this information is not predictive enough to rule out pathogenicity. The variant occurs outside of the splicing consensus sequence and two of four in silico or computational prediction software programs (SpliceSiteFinder, MaxEntScan) predict a greater than 10% difference in splicing; this is not very predictive of pathogenicity. In summary, based on the above information the clinical significance of this variant cannot be determined with certainty at this time. This variant is classified as a variant of uncertain significance.

Dr. Peter K. Rogan Lab, Western University
No classification provided (evidence only). Condition: Sarcoma. Review status: no classification provided. Collection method: in vitro. Allele origin: not applicable. Functional consequence: retained intron. Not counted in ClinVar's aggregate classification.

NM_024809.5(TCTN2):c.1544C>T (p.Ala515Val)

Gene: TCTN2 (tectonic family member 2; plus strand). Cytogenetic location: 12q24.31.
Variant type: single nucleotide variant.
Coding change: c.1544C>T on transcript NM_024809.5 (MANE Select); coding-DNA position 1544, C replaced by T.
Protein change: p.Ala515Val; replaces alanine 515 with valine.
Molecular consequence: missense variant.
Genome position (GRCh38, 1-based): chr12:123,699,742, C>T. VCF-style: chr12-123699742-C-T. GRCh37 (hg19) VCF-style: chr12-124184289-C-T.
Other names: NC_000012.11:g.124184289C>T; c.1541C>T, p.Ala514Val (NM_001143850.3); short protein forms A514V, A515V.
Identifiers: ClinVar variation 1049183 (VCV001049183.26), dbSNP rs748105865, ClinGen allele CA6861249.